The following is an entry in ClinVar:

ClinVar aggregate classification (germline): Likely benign (1 of 4 stars; one submission).

Allele frequency attached by ClinVar (database versions not stated): gnomAD 0.00340; ESP Exome Variant Server 0.00552; gnomAD exomes 0.00573; 1000 Genomes Project 30x 0.00125; 1000 Genomes Project 0.00140; TOPMed 0.00320; ExAC 0.00332.
gnomAD v4.1: 8,879 of 1,613,994 alleles (0.55%); highest among the groups gnomAD compares: Non-Finnish European, 0.69%; 28 homozygotes.

Submission:

CeGaT Center for Human Genetics Tuebingen
Classification: Likely benign. Last evaluated: 2022-07-01. Review status: criteria provided, single submitter. Criteria: CeGaT Center For Human Genetics Tuebingen Variant Classification Criteria Version 2. Collection method: clinical testing. Allele origin: germline. Affected: yes. Observed: 1 variant allele.
Comment: FGD5: BP4

NM_152536.4(FGD5):c.2058C>T (p.Tyr686=)

Gene: FGD5 (FYVE, RhoGEF and PH domain containing 5; plus strand). Cytogenetic location: 3p25.1.
Variant type: single nucleotide variant.
Coding change: c.2058C>T on transcript NM_152536.4 (MANE Select); coding-DNA position 2058, C replaced by T.
Protein change: p.Tyr686=; no amino-acid change (tyrosine 686 retained).
Molecular consequence: synonymous variant.
Genome position (GRCh38, 1-based): chr3:14,821,129, C>T. VCF-style: chr3-14821129-C-T. GRCh37 (hg19) VCF-style: chr3-14862636-C-T.
Other names: c.2058C>T, p.Tyr686= (NM_001320276.2).
Identifiers: ClinVar variation 2653589 (VCV002653589.24), dbSNP rs151190469, ClinGen allele CA2271634.